The following is an entry in ClinVar:

ClinVar aggregate classification (germline): Pathogenic (1 of 4 stars; one submission).

Conditions:
Primary ciliary dyskinesia. Also called: Ciliary dyskinesia. Identifiers: Orphanet 244, MedGen C0008780, MONDO:0016575, HP:0012265.

Submission:

Ambry Genetics
Classification: Pathogenic for Primary ciliary dyskinesia. Last evaluated: 2025-12-03. Review status: criteria provided, single submitter. Criteria: Ambry Variant Classification Scheme 2023. Collection method: clinical testing. Allele origin: germline.
Comment: The c.1438dupG pathogenic mutation, located in coding exon 10 of the DNAI2 gene, results from a duplication of G at nucleotide position 1438, causing a translational frameshift with a predicted alternate stop codon (p.E480Gfs*13). This variant is considered to be rare based on population cohorts in the Genome Aggregation Database (gnomAD). This alteration is expected to result in loss of function by premature protein truncation or nonsense-mediated mRNA decay. As such, this alteration is interpreted as a disease-causing mutation.

NM_023036.6(DNAI2):c.1438dup (p.Glu480fs)

Gene: DNAI2 (dynein axonemal intermediate chain 2; plus strand). Cytogenetic location: 17q25.1.
Variant type: Duplication.
Coding change: c.1438dup on transcript NM_023036.6 (MANE Select); coding-DNA position 1438, one base duplicated (G; older notation c.1438dupG).
Protein change: p.Glu480fs; shifts the reading frame from glutamic acid 480.
Molecular consequence: frameshift variant. On other transcripts: non-coding transcript variant (1).
Genome position (GRCh38, 1-based): chr17:74,310,107, G duplicated; the last of 2 consecutive G bases (chr17:74,310,106-74,310,107); duplicating either gives the same sequence. VCF-style (leftmost placement, unchanged base first): chr17-74310105-T-TG. GRCh37 (hg19) VCF-style: chr17-72306244-T-TG.
Other names: c.1402dup, p.Glu468fs (NM_001172810.3); c.1438dup, p.Glu480fs (NM_001353167.2); short protein forms E468fs, E480fs.
Identifiers: ClinVar variation 4628967 (VCV004628967.1).
Genomic context (GRCh38, chr17:74,310,105, plus strand): 5'-GGGTGCAGGACAATGGGTGTCTCATCGCCTGCGGCTCCCAGCTGGGGACAACCACCCTGC[T>TG]GGAGGTCTCGCCTGGGCTCTCTACCCTCCAGAGGAATGAGAAGAACGTAGCCTCTTCCGT-3'